The following is an entry in ClinVar:

NM_000088.4(COL1A1):c.3161C>T (p.Pro1054Leu)

Gene: COL1A1 (collagen type I alpha 1 chain; minus strand). Cytogenetic location: 17q21.33.
Variant type: single nucleotide variant.
Coding change: c.3161C>T on transcript NM_000088.4 (MANE Select); coding-DNA position 3161, C replaced by T.
Protein change: p.Pro1054Leu; replaces proline 1054 with leucine.
Molecular consequence: missense variant.
Genome position (GRCh38, 1-based): chr17:50,188,576, G>A on the plus strand (C>T on the coding strand, the complement: COL1A1 is on the minus strand). VCF-style: chr17-50188576-G-A. GRCh37 (hg19) VCF-style: chr17-48265937-G-A.
Other names: short protein forms P1054L.
Identifiers: ClinVar variation 2892446 (VCV002892446.3), dbSNP rs756799633, ClinGen allele CA8644549.
Genomic context (GRCh38, chr17:50,188,576, plus strand): 5'-GCCCAGCTACTTACAGTCTCACCACGATCACCACTCTTGCCAGCAGGGCCAACGGGGCCA[G>A]GGGCACCAGGAGCACCAGGAGCACCAGGGGGTCCAGCGGGGCCGGTCTCACCACGGTCAC-3'
Protein context (NP_000079.2, residues 1044-1064): PPGAPGAPGA[Pro1054Leu]GPVGPAGKSG

ClinVar aggregate classification (germline): Uncertain significance (1 of 4 stars; one submission).

Conditions:
Osteogenesis imperfecta type I (OI1). Also called: Lobstein's Disease; OI, TYPE I; OSTEOGENESIS IMPERFECTA TARDA; OSTEOGENESIS IMPERFECTA WITH BLUE SCLERAE; Osteogenesis imperfecta type 1; Lobstein disease. Identifiers: Orphanet 216796, Orphanet 666, MedGen C0023931, MONDO:0008146, OMIM 166200. Disease mechanism: loss of function.

Allele frequency attached by ClinVar (database versions not stated): ExAC 0.00002; gnomAD exomes 0.00002.
gnomAD v4.1: 34 of 1,614,090 alleles (0.0021%); highest among the groups gnomAD compares: Non-Finnish European, 0.0029%; no homozygotes.

Submission:

Labcorp Genetics (formerly Invitae), Labcorp
Classification: Uncertain significance for Osteogenesis imperfecta type I. Last evaluated: 2024-01-11. Review status: criteria provided, single submitter. Criteria: Invitae Variant Classification Sherloc (09022015). Collection method: clinical testing. Allele origin: germline.
Comment: This sequence change replaces proline, which is neutral and non-polar, with leucine, which is neutral and non-polar, at codon 1054 of the COL1A1 protein (p.Pro1054Leu). This variant is present in population databases (rs756799633, gnomAD 0.002%). This variant has not been reported in the literature in individuals affected with COL1A1-related conditions. Advanced modeling of protein sequence and biophysical properties (such as structural, functional, and spatial information, amino acid conservation, physicochemical variation, residue mobility, and thermodynamic stability) has been performed at Invitae for this missense variant, however the output from this modeling did not meet the statistical confidence thresholds required to predict the impact of this variant on COL1A1 protein function. In summary, the available evidence is currently insufficient to determine the role of this variant in disease. Therefore, it has been classified as a Variant of Uncertain Significance.